The following is an entry in ClinVar:

ClinVar aggregate classification (germline): Uncertain significance. Review status: criteria provided, multiple submitters, no conflicts (2 of 4 stars). 2 submissions from 2 submitters: Uncertain significance (2). Last evaluated 2025-07-15.

Conditions:
CBL-related disorder. Also called: NOONAN SYNDROME-LIKE DISORDER WITHOUT JUVENILE MYELOMONOCYTIC LEUKEMIA; CBL MUTATION-ASSOCIATED SYNDROME; CBL SYNDROME. Identifiers: Orphanet 363972, MedGen C3150803, MONDO:0013308, OMIM 613563.
Cardiovascular phenotype. Identifiers: MedGen CN230736.

gnomAD v4.1: 1 of 1,612,690 alleles (0.000062%); highest among the groups gnomAD compares: East Asian, 0.0022%; no homozygotes.

Submissions (2):

Ambry Genetics
Classification: Uncertain significance for Cardiovascular phenotype. Last evaluated: 2025-07-15. Review status: criteria provided, single submitter. Criteria: Ambry Variant Classification Scheme 2023. Collection method: clinical testing. Allele origin: germline.
Comment: The p.E699G variant (also known as c.2096A>G), located in coding exon 13 of the CBL gene, results from an A to G substitution at nucleotide position 2096. The glutamic acid at codon 699 is replaced by glycine, an amino acid with similar properties. This amino acid position is conserved. In addition, this alteration is predicted to be deleterious by in silico analysis. Based on the available evidence, the clinical significance of this variant remains unclear.

Illumina Laboratory Services, Illumina
Classification: Uncertain significance for CBL-related disorder. Last evaluated: 2018-01-13. Review status: criteria provided, single submitter. Criteria: ICSL Variant Classification Criteria 13 December 2019. Collection method: clinical testing. Allele origin: germline.

NM_005188.4(CBL):c.2096A>G (p.Glu699Gly)

Gene: CBL (Cbl proto-oncogene; plus strand). Cytogenetic location: 11q23.3.
Variant type: single nucleotide variant.
Coding change: c.2096A>G on transcript NM_005188.4 (MANE Select); coding-DNA position 2096, A replaced by G.
Protein change: p.Glu699Gly; replaces glutamic acid 699 with glycine.
Molecular consequence: missense variant.
Genome position (GRCh38, 1-based): chr11:119,296,977, A>G. VCF-style: chr11-119296977-A-G. GRCh37 (hg19) VCF-style: chr11-119167687-A-G.
Other names: c.2096A>G (NM_005188.2); short protein forms E699G.
Identifiers: ClinVar variation 302786 (VCV000302786.6), dbSNP rs866325598, ClinGen allele CA10633643.